The following is an entry in ClinVar:

NM_000212.3(ITGB3):c.415G>C (p.Asp139His)

Gene: ITGB3 (integrin subunit beta 3; plus strand). Cytogenetic location: 17q21.32.
Variant type: single nucleotide variant.
Coding change: c.415G>C on transcript NM_000212.3 (MANE Select); coding-DNA position 415, G replaced by C.
Protein change: p.Asp139His; replaces aspartic acid 139 with histidine.
Molecular consequence: missense variant.
Genome position (GRCh38, 1-based): chr17:47,284,496, G>C. VCF-style: chr17-47284496-G-C. GRCh37 (hg19) VCF-style: chr17-45361862-G-C.
Other names: NM_000212.3:c.415G>C; short protein forms D139H.
Identifiers: ClinVar variation 1691483 (VCV001691483.3), dbSNP rs2143092554, ClinGen allele CA400021843.
Genomic context (GRCh38, chr17:47,284,496, plus strand): 5'-CTTCCAGATGATTCGAAGAATTTCTCCATCCAAGTGCGGCAGGTGGAGGATTACCCTGTG[G>C]ACATCTACTACTTGATGGACCTGTCTTACTCCATGAAGGATGATCTGTGGAGCATCCAGA-3'
Protein context (NP_000203.2, residues 129-149): QVRQVEDYPV[Asp139His]IYYLMDLSYS

ClinVar aggregate classification (germline): Likely pathogenic (3 of 4 stars; one submission).

Conditions:
Glanzmann thrombasthenia. Also called: PLATELET GLYCOPROTEIN IIb-IIIa DEFICIENCY; Glanzmann's thrombasthenia; BLEEDING DISORDER, PLATELET-TYPE, 2; THROMBASTHENIA OF GLANZMANN AND NAEGELI; Thrombasthenia. Identifiers: Orphanet 849, MedGen C0040015, MONDO:0100326.

Submission:

ClinGen Platelet Disorders Variant Curation Expert Panel, ClinGen
Classification: Likely pathogenic for Glanzmann thrombasthenia. Last evaluated: 2025-04-15. Review status: reviewed by expert panel. Criteria: ClinGen Platelet ACMG Specifications v2-1. Collection method: curation. Allele origin: germline. Inheritance: Autosomal recessive inheritance.
Comment: The NM_000212.3:c.415G>C variant in ITGB3 is a missense variant predicted to cause substitution of aspartic acid by histidine at amino acid 139 (p.Asp139His). This variant has been observed in compound heterozygosity in one individual (GT53 in PMID: 19691478) in trans (phase confirmed) with ITGB3 variant c.422A>G (p.Tyr141Cys, classified by the Platelet Disorders VCEP as a Pathogenic; PM3). This individual displayed mucocutaneous bleeding and impaired aggregation with all agonists except ristocetin, which is highly specific for Glanzmann thrombasthenia (PP4_Moderate). This variant is absent from gnomAD v4.1 (PM2_Supporting). The computational predictor REVEL gives a score of 0.986, which is above the ClinGen Platelet Disorders VCEP threshold of >0.7 and predicts a damaging effect on function (PP3). In summary, this variant is classified as Likely Pathogenic for autosomal recessive Glanzmann Thrombasthenia based on the ACMG/AMP criteria applied, as specified by the ClinGen PD-VCEP: PM2_Supporting, PM3 PP3, PP4_Moderate. (VCEP specifications version 2)